The following is an entry in ClinVar:

NM_000321.3(RB1):c.2413_2420del (p.Tyr805fs)

Gene: RB1 (RB transcriptional corepressor 1; plus strand). Cytogenetic location: 13q14.2.
Variant type: Deletion.
Coding change: c.2413_2420del on transcript NM_000321.3 (MANE Select); coding-DNA positions 2413 to 2420, 8 bases deleted (TATATTTC; older notation c.2413_2420delTATATTTC).
Protein change: p.Tyr805fs; shifts the reading frame from tyrosine 805.
Molecular consequence: frameshift variant.
Genome position (GRCh38, 1-based): chr13:48,465,292-48,465,299, TATATTTC deleted; deleting any 8 consecutive bases within chr13:48,465,290-48,465,299 gives the same sequence; the c. name uses the placement nearest the transcript's 3' end. VCF-style (leftmost placement, unchanged base first): chr13-48465289-ATCTATATT-A. GRCh37 (hg19) VCF-style: chr13-49039425-ATCTATATT-A.
Other names: c.2413_2420delTATATTTC (NM_000321.2); short protein forms Y805fs.
Identifiers: ClinVar variation 428686 (VCV000428686.3), dbSNP rs1131690868, ClinGen allele CA645369596.

ClinVar aggregate classification (germline): Pathogenic (1 of 4 stars; one submission).

Conditions:
Hereditary cancer-predisposing syndrome. Also called: Hereditary Cancer Syndrome; Neoplastic Syndromes, Hereditary; Hereditary neoplastic syndrome; Tumor predisposition. Identifiers: Orphanet 140162, MedGen C0027672, MeSH D009386, MONDO:0015356.

Submission:

Ambry Genetics
Classification: Pathogenic for Hereditary cancer-predisposing syndrome. Last evaluated: 2014-03-17. Review status: criteria provided, single submitter. Criteria: Ambry Autosomal Dominant and X-Linked criteria (10/2015). Collection method: clinical testing. Allele origin: germline. Observed: 1 variant allele.
Comment: The c.2413_2420delTATATTTC pathogenic mutation, located in coding exon 23 of the RB1 gene, results from a deletion of 8 nucleotides between nucleotide positions 2413 and 2420, causing a translational frameshift with a predicted alternate stop codon. Since frameshifts are typically deleterious in nature, this alteration is interpreted as a disease-causing mutation (ACMG Recommendations for Standards for Interpretation and Reporting of Sequence Variations. Revision 2007. Genet Med. 2008;10:294).

Literature cited by the submitters: PubMed 19280657.